The following is an entry in ClinVar:

NM_000059.4(BRCA2):c.1404del (p.Asp469fs)

Gene: BRCA2 (BRCA2 DNA repair associated; plus strand). Cytogenetic location: 13q13.1.
Variant type: Deletion.
Coding change: c.1404del on transcript NM_000059.4 (MANE Select); coding-DNA position 1404, one base deleted (A; older notation c.1404delA).
Protein change: p.Asp469fs; shifts the reading frame from aspartic acid 469.
Molecular consequence: frameshift variant.
Genome position (GRCh38, 1-based): chr13:32,332,882, A deleted. VCF-style (leftmost placement, unchanged base first): chr13-32332881-GA-G. GRCh37 (hg19) VCF-style: chr13-32907018-GA-G.
Other names: short protein forms D469fs.
Identifiers: ClinVar variation 1457196 (VCV001457196.7), dbSNP rs2137471070, ClinGen allele CA2573149261.
Genomic context (GRCh38, chr13:32,332,881, plus strand): 5'-GTATTTCTAGCCTACCAAAATCAGAGAAGCCATTAAATGAGGAAACAGTGGTAAATAAGA[GA>G]GATGAAGAGCAGCATCTTGAATCTCATACAGACTGCATTCTTGCAGTAAAGCAGGCAATA-3'

ClinVar aggregate classification (germline): Pathogenic/Likely pathogenic. Review status: criteria provided, multiple submitters, no conflicts (2 of 4 stars). 2 submissions from 2 submitters: Pathogenic (1); Likely pathogenic (1). Last evaluated 2023-12-28.

Conditions:
Hereditary breast ovarian cancer syndrome. Also called: Hereditary breast and ovarian cancer; Breast and ovarian cancer; BRCA1- and BRCA2-Associated Hereditary Breast and Ovarian Cancer; Hereditary breast and/or ovarian cancer syndrome; Hereditary breast and ovarian cancer syndrome; Hereditary breast and ovarian cancer syndrome (HBOC). Identifiers: Orphanet 145, MedGen C0677776, MeSH D061325, MONDO:0003582. Disease mechanism: loss of function.
Familial cancer of breast. Also called: BREAST CANCER, FAMILIAL; hereditary breast carcinoma; Hereditary breast cancer. Identifiers: Orphanet 227535, MedGen C0346153, MONDO:0016419, OMIM 114480. Disease mechanism: loss of function.

Submissions (2):

Baylor Genetics
Classification: Likely pathogenic for Familial cancer of breast. Last evaluated: 2023-12-28. Review status: criteria provided, single submitter. Criteria: ACMG Guidelines, 2015. Collection method: clinical testing. Allele origin: unknown.

Labcorp Genetics (formerly Invitae), Labcorp
Classification: Pathogenic for Hereditary breast ovarian cancer syndrome. Last evaluated: 2021-08-23. Review status: criteria provided, single submitter. Criteria: Invitae Variant Classification Sherloc (09022015). Collection method: clinical testing. Allele origin: germline.
Comment: This sequence change creates a premature translational stop signal (p.Asp469Metfs*16) in the BRCA2 gene. It is expected to result in an absent or disrupted protein product. Loss-of-function variants in BRCA2 are known to be pathogenic (PMID: 20104584). For these reasons, this variant has been classified as Pathogenic. This variant has not been reported in the literature in individuals affected with BRCA2-related conditions. This variant is not present in population databases (ExAC no frequency).

Literature cited by the submitters: PubMed 20104584 (cited by Labcorp Genetics (formerly Invitae), Labcorp).